The following is an entry in ClinVar:

ClinVar aggregate classification (germline): Benign/Likely benign. Review status: criteria provided, multiple submitters, no conflicts (2 of 4 stars). 6 submissions from 6 submitters: Benign (1); Likely benign (5). Last evaluated 2026-02-02.

Conditions:
Hereditary cancer-predisposing syndrome. Also called: Hereditary Cancer Syndrome; Neoplastic Syndromes, Hereditary; Tumor predisposition; Hereditary neoplastic syndrome. Identifiers: Orphanet 140162, MedGen C0027672, MeSH D009386, MONDO:0015356.
Tuberous sclerosis syndrome (TSC). Also called: Tuberous sclerosis; Tuberous Sclerosis Complex. Identifiers: Orphanet 805, MedGen C0041341, MONDO:0001734.
Tuberous sclerosis 1 (TSC1). Identifiers: Orphanet 805, MedGen C1854465, MONDO:0008612, OMIM 191100.

Allele frequency attached by ClinVar (database versions not stated): TOPMed below 0.00001; gnomAD 0.00001; gnomAD exomes 0.00003 and 0.00004; ExAC 0.00009.
gnomAD v4.1: 20 of 1,613,970 alleles (0.0012%); highest among the groups gnomAD compares: Non-Finnish European, 0.0012%; no homozygotes.

Submissions (6):

Labcorp Genetics (formerly Invitae), Labcorp
Classification: Likely benign for Tuberous sclerosis 1. Last evaluated: 2026-02-02. Review status: criteria provided, single submitter. Criteria: Invitae Variant Classification Sherloc (09022015). Collection method: clinical testing. Allele origin: germline.

Myriad Genetics, Inc.
Classification: Benign for Tuberous sclerosis 1. Last evaluated: 2025-04-24. Review status: criteria provided, single submitter. Criteria: Myriad Autosomal Dominant, Autosomal Recessive and X-Linked Classification Criteria (2023). Collection method: clinical testing. Allele origin: unknown.
Comment: This variant is considered benign. This variant is a silent/synonymous amino acid change and it is not expected to impact splicing.

All of Us Research Program, National Institutes of Health
Classification: Likely benign for Tuberous sclerosis syndrome. Last evaluated: 2024-02-05. Review status: criteria provided, single submitter. Criteria: ACMG Guidelines, 2015. Collection method: clinical testing. Allele origin: germline. Inheritance: Autosomal dominant inheritance. Observed: 1 variant allele, 1 heterozygote.
Comment: This study involves interpretation of variants in research participants for the purpose of population health screening. Participant phenotype was not available at the time of variant classification. Additional details can be found in publication PMID: 35346344, PMCID: PMC8962531

Color Diagnostics, LLC DBA Color Health
Classification: Likely benign for Tuberous sclerosis syndrome. Last evaluated: 2024-01-25. Review status: criteria provided, single submitter. Criteria: ACMG Guidelines, 2015. Collection method: clinical testing. Allele origin: germline.

Genome-Nilou Lab
Classification: Likely benign for Tuberous sclerosis 1. Last evaluated: 2021-11-07. Review status: criteria provided, single submitter. Criteria: ACMG Guidelines, 2015. Collection method: clinical testing. Allele origin: germline. Affected: no.

Ambry Genetics
Classification: Likely benign for Hereditary cancer-predisposing syndrome. Last evaluated: 2015-05-20. Review status: criteria provided, single submitter. Criteria: Ambry Variant Classification Scheme 2023. Collection method: clinical testing. Allele origin: germline.

NM_000368.5(TSC1):c.2085G>A (p.Leu695=)

Gene: TSC1 (TSC complex subunit 1; minus strand). Cytogenetic location: 9q34.13.
Variant type: single nucleotide variant.
Coding change: c.2085G>A on transcript NM_000368.5 (MANE Select); coding-DNA position 2085, G replaced by A.
Protein change: p.Leu695=; no amino-acid change (leucine 695 retained).
Molecular consequence: synonymous variant.
Genome position (GRCh38, 1-based): chr9:132,903,774, C>T on the plus strand (G>A on the coding strand, the complement: TSC1 is on the minus strand). VCF-style: chr9-132903774-C-T. GRCh37 (hg19) VCF-style: chr9-135779161-C-T.
Other names: c.2082G>A, p.Leu694= (NM_001162426.2); c.1932G>A, p.Leu644= (NM_001162427.2); c.1722G>A, p.Leu574= (NM_001362177.2).
Identifiers: ClinVar variation 232020 (VCV000232020.18), dbSNP rs767518902, ClinGen allele CA031172.